The following is an entry in ClinVar:

ClinVar aggregate classification (germline): Benign/Likely benign. Review status: criteria provided, multiple submitters, no conflicts (2 of 4 stars). 4 submissions from 4 submitters: Benign (2); Likely benign (1). 1 of the submissions does not count toward it. Last evaluated 2025-11-01.

Conditions:
CHD4-related disorder. Also called: CHD4-related condition.

Allele frequency attached by ClinVar (database versions not stated): ExAC 0.00032; 1000 Genomes Project 0.00140; gnomAD exomes 0.00034; 1000 Genomes Project 30x 0.00109; gnomAD 0.00116 and 0.00133; TOPMed 0.00122; ESP Exome Variant Server 0.00138.
gnomAD v4.1: 373 of 1,613,372 alleles (0.023%); highest among the groups gnomAD compares: African/African-American, 0.33%; 1 homozygote.

Submissions (4):

CeGaT Center for Human Genetics Tuebingen
Classification: Likely benign. Last evaluated: 2025-11-01. Review status: criteria provided, single submitter. Criteria: CeGaT Center For Human Genetics Tuebingen Variant Classification Criteria Version 2. Collection method: clinical testing. Allele origin: germline. Affected: yes. Observed: 1 variant allele.
Comment: CHD4: BP4, BP7

Labcorp Genetics (formerly Invitae), Labcorp
Classification: Benign. Last evaluated: 2025-10-08. Review status: criteria provided, single submitter. Criteria: Invitae Variant Classification Sherloc (09022015). Collection method: clinical testing. Allele origin: germline.

Breakthrough Genomics
Classification: Benign. Review status: criteria provided, single submitter. Criteria: ACMG Guidelines, 2015. Collection method: not provided. Allele origin: germline. Inheritance: Autosomal dominant inheritance. Affected: yes.

PreventionGenetics, part of Exact Sciences
Classification: Likely benign for CHD4-related condition. Last evaluated: 2024-08-29. Review status: no assertion criteria provided. Collection method: clinical testing. Allele origin: germline. Not counted in ClinVar's aggregate classification.
Comment: This variant is classified as likely benign based on ACMG/AMP sequence variant interpretation guidelines (Richards et al. 2015 PMID: 25741868, with internal and published modifications).

NM_001273.5(CHD4):c.5178T>C (p.Tyr1726=)

Genes: CHD4 (chromodomain helicase DNA binding protein 4; minus strand), CHD4-AS1 (CHD4 antisense RNA 1; plus strand). Cytogenetic location: 12p13.31.
Variant type: single nucleotide variant.
Coding change: c.5178T>C on transcript NM_001273.5 (MANE Select); coding-DNA position 5178, T replaced by C.
Protein change: p.Tyr1726=; no amino-acid change (tyrosine 1726 retained).
Molecular consequence: synonymous variant.
Genome position (GRCh38, 1-based): chr12:6,578,079, A>G on the plus strand (T>C on the coding strand, the complement: CHD4 is on the minus strand). VCF-style: chr12-6578079-A-G. GRCh37 (hg19) VCF-style: chr12-6687245-A-G.
Other names: c.5157T>C, p.Tyr1719= (NM_001297553.2); c.5145T>C, p.Tyr1715= (NM_001363606.2).
Identifiers: ClinVar variation 728490 (VCV000728490.18), dbSNP rs149961532, ClinGen allele CA6411289.